The following is an entry in ClinVar:

NM_016180.5(SLC45A2):c.376G>C (p.Val126Leu)

Gene: SLC45A2 (solute carrier family 45 member 2; minus strand). Cytogenetic location: 5p13.2.
Variant type: single nucleotide variant.
Coding change: c.376G>C on transcript NM_016180.5 (MANE Select); coding-DNA position 376, G replaced by C.
Protein change: p.Val126Leu; replaces valine 126 with leucine.
Molecular consequence: missense variant.
Genome position (GRCh38, 1-based): chr5:33,984,208, C>G on the plus strand (G>C on the coding strand, the complement: SLC45A2 is on the minus strand). VCF-style: chr5-33984208-C-G. GRCh37 (hg19) VCF-style: chr5-33984313-C-G.
Other names: c.376G>C, p.Val126Leu (NM_001012509.4, NM_001297417.4); short protein forms V126L.
Identifiers: ClinVar variation 2106703 (VCV002106703.4), dbSNP rs375501171, ClinGen allele CA359397254.

ClinVar aggregate classification (germline): Uncertain significance (1 of 4 stars; one submission).

gnomAD v4.1: 6 of 1,614,040 alleles (0.00037%); highest among the groups gnomAD compares: Non-Finnish European, 0.00051%; no homozygotes.

Submission:

Labcorp Genetics (formerly Invitae), Labcorp
Classification: Uncertain significance. Last evaluated: 2022-05-17. Review status: criteria provided, single submitter. Criteria: Invitae Variant Classification Sherloc (09022015). Collection method: clinical testing. Allele origin: germline.
Comment: This variant is present in population databases (no rsID available, gnomAD 0.0009%). This sequence change replaces valine, which is neutral and non-polar, with leucine, which is neutral and non-polar, at codon 126 of the SLC45A2 protein (p.Val126Leu). This variant has not been reported in the literature in individuals affected with SLC45A2-related conditions. In summary, the available evidence is currently insufficient to determine the role of this variant in disease. Therefore, it has been classified as a Variant of Uncertain Significance. Algorithms developed to predict the effect of missense changes on protein structure and function (SIFT, PolyPhen-2, Align-GVGD) all suggest that this variant is likely to be tolerated.